The following is an entry in ClinVar:

NM_020975.6(RET):c.2393-5C>T

Gene: RET (ret proto-oncogene; plus strand). Cytogenetic location: 10q11.21.
Variant type: single nucleotide variant.
Coding change: c.2393-5C>T on transcript NM_020975.6 (MANE Select); 5 bases into the intron before coding-DNA position 2393, C replaced by T.
Molecular consequence: intron variant.
Genome position (GRCh38, 1-based): chr10:43,119,526, C>T. VCF-style: chr10-43119526-C-T. GRCh37 (hg19) VCF-style: chr10-43614974-C-T.
Other names: c.2393-5C>T (NM_020630.7, NM_001406743.1, NM_001406744.1 and 2 more transcripts); c.2258-5C>T (NM_001406765.1, NM_001406763.1); c.1997-5C>T (NM_001406772.1, NM_001406769.1); c.1955-5C>T (NM_001406773.1, NM_001406771.1); c.1496-5C>T (NM_001406782.1, NM_001406780.1, NM_001406779.1 and 1 more transcripts); c.1361-5C>T (NM_001406787.1); c.1376-5C>T (NM_001406785.1); c.2264-5C>T (NM_001406764.1, NM_001406762.1, NM_001406761.1); and 10 more.
Identifiers: ClinVar variation 511190 (VCV000511190.14), dbSNP rs1554819512, ClinGen allele CA658797418.

ClinVar aggregate classification (germline): Conflicting classifications of pathogenicity. Review status: criteria provided, conflicting classifications (1 of 4 stars). 4 submissions from 4 submitters: Uncertain significance (1); Likely benign (3). Last evaluated 2023-08-02.

Conditions:
Hereditary cancer-predisposing syndrome. Also called: Neoplastic Syndromes, Hereditary; Hereditary Cancer Syndrome; Tumor predisposition; Hereditary neoplastic syndrome. Identifiers: Orphanet 140162, MedGen C0027672, MeSH D009386, MONDO:0015356.
Pheochromocytoma. Also called: MAX-Related Hereditary Paraganglioma-Pheochromocytoma Syndrome. Identifiers: Orphanet 29072, MedGen C0031511, MONDO:0008233, OMIM 171300, HP:0002666.
Familial medullary thyroid carcinoma (MTC). Also called: Thyroid cancer, familial medullary; MTC, familial; Familial Medullary Thyroid Carcinoma (FMTC). Identifiers: Orphanet 653, Orphanet 99361, MedGen C1833921, MONDO:0007958, OMIM 155240.
Multiple endocrine neoplasia type 2B. Also called: Multiple endocrine neoplasia, type 3; MULTIPLE ENDOCRINE NEOPLASIA, TYPE IIB; MUCOSAL NEUROMA SYNDROME; MEN 2B; Multiple Endocrine Neoplasia Type 2B (MEN2B); MEN IIB. Identifiers: Orphanet 247709, Orphanet 653, MedGen C0025269, MeSH D018814, MONDO:0008082, OMIM 162300.
Multiple endocrine neoplasia type 2A. Also called: MULTIPLE ENDOCRINE NEOPLASIA, TYPE IIA; PTC SYNDROME; SIPPLE SYNDROME; MEN 2A; MEN-2A syndrome; Pheochromocytoma and amyloid producing medullary thyroid carcinoma. Identifiers: Orphanet 247698, Orphanet 653, MedGen C0025268, MeSH D018813, MONDO:0008234, OMIM 171400.
Hirschsprung disease, susceptibility to, 1 (HSCR1). Also called: RET-Related Hirschsprung Disease. Identifiers: Orphanet 388, MedGen C3888239, MONDO:0007723, OMIM 142623.
Multiple endocrine neoplasia, type 2 (MEN2). Identifiers: Orphanet 653, MedGen C4048306, MONDO:0019003. Disease mechanism: gain of function.

Submissions (4):

Ambry Genetics
Classification: Uncertain significance for Hereditary cancer-predisposing syndrome. Last evaluated: 2023-08-02. Review status: criteria provided, single submitter. Criteria: Ambry Variant Classification Scheme 2023. Collection method: clinical testing. Allele origin: germline.
Comment: The c.2393-5C>T intronic variant results from a C to T substitution 5 nucleotides upstream from coding exon 14 in the RET gene. This nucleotide position is not well conserved in available vertebrate species. In silico splice site analysis predicts that this alteration will not have any significant effect on splicing. Since supporting evidence is limited at this time, the clinical significance of this alteration remains unclear.

Fulgent Genetics
Classification: Likely benign for Hirschsprung disease, susceptibility to, 1; Familial medullary thyroid carcinoma; Multiple endocrine neoplasia type 2B; Pheochromocytoma; Multiple endocrine neoplasia type 2A. Last evaluated: 2021-12-16. Review status: criteria provided, single submitter. Criteria: ACMG Guidelines, 2015. Collection method: clinical testing. Allele origin: unknown.

Labcorp Genetics (formerly Invitae), Labcorp
Classification: Likely benign for Multiple endocrine neoplasia, type 2. Last evaluated: 2020-02-21. Review status: criteria provided, single submitter. Criteria: Invitae Variant Classification Sherloc (09022015). Collection method: clinical testing. Allele origin: germline.

GeneDx
Classification: Likely benign. Last evaluated: 2017-08-01. Review status: criteria provided, single submitter. Criteria: GeneDx Variant Classification (06012015). Collection method: clinical testing. Allele origin: germline. Affected: yes.
Comment: This variant is considered likely benign or benign based on one or more of the following criteria: it is a conservative change, it occurs at a poorly conserved position in the protein, it is predicted to be benign by multiple in silico algorithms, and/or has population frequency not consistent with disease.